The following is an entry in ClinVar:

NM_007294.4(BRCA1):c.2758G>A (p.Val920Ile)

Gene: BRCA1 (BRCA1 DNA repair associated; minus strand). Cytogenetic location: 17q21.31.
Variant type: single nucleotide variant.
Coding change: c.2758G>A on transcript NM_007294.4 (MANE Select); coding-DNA position 2758, G replaced by A.
Protein change: p.Val920Ile; replaces valine 920 with isoleucine.
Molecular consequence: missense variant. On other transcripts: intron variant (137).
Genome position (GRCh38, 1-based): chr17:43,092,773, C>T on the plus strand (G>A on the coding strand, the complement: BRCA1 is on the minus strand). VCF-style: chr17-43092773-C-T. GRCh37 (hg19) VCF-style: chr17-41244790-C-T.
Other names: c.2614G>A, p.Val872Ile (NM_001407848.1, NM_001407849.1, NM_001407943.1 and 20 more transcripts); c.2617G>A, p.Val873Ile (NM_001407850.1, NM_001407851.1, NM_001407852.1 and 29 more transcripts); c.2545G>A, p.Val849Ile (NM_001407853.1, NM_001407894.1, NM_001407895.1 and 9 more transcripts); c.2758G>A, p.Val920Ile (NM_001407854.1, NM_001407858.1, NM_001407859.1 and 30 more transcripts); c.2755G>A, p.Val919Ile (NM_001407860.1, NM_001407861.1, NM_001407587.1 and 22 more transcripts); c.2557G>A, p.Val853Ile (NM_001407862.1); c.2635G>A, p.Val879Ile (NM_001407863.1, NM_001407919.1, NM_001407937.1 and 19 more transcripts); c.2554G>A, p.Val852Ile (NM_001407874.1, NM_001407875.1); and 41 more; short protein forms V920I, V873I, V808I, V852I, V872I, V624I, V793I, V850I.
Identifiers: ClinVar variation 37488 (VCV000037488.35), dbSNP rs80357361, ClinGen allele CA001815.
Genomic context (GRCh38, chr17:43,092,773, plus strand): 5'-CAACTGGCTTATCTTTCTGACCAACCACAGGAAAGCCTGCAGTGATATTAACTGTCTGTA[C>T]AGGCTTGATATTAGACTCATTCTTTCCTTGATTTTCTTCCTTTTGTTCACATTCAAAAGT-3'
Protein context (NP_009225.1, residues 910-930): QGKNESNIKP[Val920Ile]QTVNITAGFP

ClinVar aggregate classification (germline): Benign. Review status: reviewed by expert panel (3 of 4 stars). 18 submissions from 18 submitters: Benign (1). 17 of the submissions do not count toward it. Last evaluated 2019-06-18.

Conditions:
BRCA1-related disorder. Also called: BRCA1-related condition.
Breast and/or ovarian cancer. Identifiers: MedGen CN221562.
Hereditary cancer-predisposing syndrome. Also called: Tumor predisposition; Neoplastic Syndromes, Hereditary; Hereditary Cancer Syndrome; Hereditary neoplastic syndrome. Identifiers: Orphanet 140162, MedGen C0027672, MeSH D009386, MONDO:0015356.
Hereditary breast ovarian cancer syndrome. Also called: Hereditary breast and ovarian cancer syndrome (HBOC); Hereditary breast and ovarian cancer syndrome; Hereditary breast and ovarian cancer; Hereditary breast and/or ovarian cancer syndrome; Breast and ovarian cancer; BRCA1- and BRCA2-Associated Hereditary Breast and Ovarian Cancer. Identifiers: Orphanet 145, MedGen C0677776, MeSH D061325, MONDO:0003582. Disease mechanism: loss of function.
Breast-ovarian cancer, familial, susceptibility to, 1 (BROVCA1). Also called: OVARIAN CANCER, SUSCEPTIBILITY TO; BRCA1 Hereditary Breast and Ovarian Cancer. Identifiers: Orphanet 145, MedGen C2676676, MONDO:0011450, OMIM 604370. Disease mechanism: loss of function.

Allele frequency attached by ClinVar (database versions not stated): ExAC 0.00001; gnomAD exomes 0.00001; TOPMed 0.00001.
gnomAD v4.1: 12 of 1,613,942 alleles (0.00074%); highest among the groups gnomAD compares: Admixed American, 0.0083%; no homozygotes.

Submissions (18):

Evidence-based Network for the Interpretation of Germline Mutant Alleles (ENIGMA)
Classification: Benign for Breast-ovarian cancer, familial, susceptibility to, 1. Last evaluated: 2019-06-18. Review status: reviewed by expert panel. Criteria: ENIGMA BRCA1/2 Classification Criteria (2017-06-29). Collection method: curation. Allele origin: germline.
Comment: IARC class based on posterior probability from multifactorial likelihood analysis, thresholds for class as per Plon et al. 2008 (PMID: 18951446). Class 1 based on posterior probability = 0.000285

Women's Health and Genetics/Laboratory Corporation of America, LabCorp
Classification: Likely benign. Last evaluated: 2026-06-01. Review status: criteria provided, single submitter. Criteria: LabCorp Variant Classification Summary - May 2015. Collection method: clinical testing. Allele origin: germline. Not counted in ClinVar's aggregate classification.
Comment: Variant summary: BRCA1 c.2758G>A (p.Val920Ile) results in a conservative amino acid change in the encoded protein sequence. Algorithms developed to predict the effect of missense changes on protein structure and function all suggest that this variant is likely to be tolerated. The variant allele was found at a frequency of 1.2e-05 in 250896 control chromosomes. The available data on variant occurrences in the general population are insufficient to allow any conclusion about variant significance. To our knowledge, no occurrence of c.2758G>A in individuals affected with BRCA1-related conditions has been reported. Co-occurrences with other pathogenic variant(s) have been reported (BRCA2 c.8850G>T, p.Lys2950Asn; NHGRI BIC Database), providing supporting evidence for a benign role. At least one publication reports experimental evidence evaluating an impact on protein function. These results showed no damaging effect of this variant in assessing homology-dependent recombination assays (Bouwman_2020). HDR assays qualify as a recognized gold standard on the basis of updated guidance provided by the ClinGen Sequence Variant Interpretation (SVI) working group. This working group has recommended strong functional evidence (ACMG BS3) as sufficient weightage for categorization as likely benign (Tavtigian_2018). The following publication was ascertained in the context of this evaluation (PMID: 32546644). ClinVar contains an entry for this variant (Variation ID: 37488). Based on the evidence outlined above, the variant was classified as likely benign.

Labcorp Genetics (formerly Invitae), Labcorp
Classification: Likely benign for Hereditary breast ovarian cancer syndrome. Last evaluated: 2025-11-18. Review status: criteria provided, single submitter. Criteria: Invitae Variant Classification Sherloc (09022015). Collection method: clinical testing. Allele origin: germline. Not counted in ClinVar's aggregate classification.

Blueprint Genetics
Classification: Likely benign. Last evaluated: 2024-08-27. Review status: criteria provided, single submitter. Criteria: ACMG Guidelines, 2015. Collection method: clinical testing. Allele origin: germline. Not counted in ClinVar's aggregate classification.

All of Us Research Program, National Institutes of Health
Classification: Benign for Breast-ovarian cancer, familial, susceptibility to, 1. Last evaluated: 2023-11-20. Review status: criteria provided, single submitter. Criteria: ACMG Guidelines, 2015. Collection method: clinical testing. Allele origin: germline. Inheritance: Autosomal dominant inheritance. Observed: 9 variant alleles, 9 heterozygotes. Not counted in ClinVar's aggregate classification.
Comment: This study involves interpretation of variants in research participants for the purpose of population health screening. Participant phenotype was not available at the time of variant classification. Additional details can be found in publication PMID: 35346344, PMCID: PMC8962531

Sema4
Classification: Likely benign for Hereditary cancer-predisposing syndrome. Last evaluated: 2021-06-04. Review status: criteria provided, single submitter. Criteria: Sema4 Curation Guidelines. Collection method: curation. Allele origin: germline. Not counted in ClinVar's aggregate classification.

Quest Diagnostics Nichols Institute San Juan Capistrano
Classification: Likely benign. Last evaluated: 2020-08-18. Review status: criteria provided, single submitter. Criteria: Quest Diagnostics criteria. Collection method: clinical testing. Allele origin: unknown. Not counted in ClinVar's aggregate classification.

GeneDx
Classification: Likely benign. Last evaluated: 2020-02-24. Review status: criteria provided, single submitter. Criteria: GeneDx Variant Classification Process June 2021. Collection method: clinical testing. Allele origin: germline. Affected: yes. Not counted in ClinVar's aggregate classification.
Comment: This variant is associated with the following publications: (PMID: 16267036, 15385441)

CHEO Genetics Diagnostic Laboratory, Children's Hospital of Eastern Ontario
Classification: Uncertain significance for Breast and/or ovarian cancer. Last evaluated: 2019-07-17. Review status: criteria provided, single submitter. Criteria: ACMG Guidelines, 2015. Collection method: clinical testing. Allele origin: germline. Not counted in ClinVar's aggregate classification.

Genetic Services Laboratory, University of Chicago
Classification: Uncertain significance. Last evaluated: 2018-05-17. Review status: criteria provided, single submitter. Criteria: ACMG Guidelines, 2015. Collection method: clinical testing. Allele origin: germline. Affected: no. Not counted in ClinVar's aggregate classification.

Color Diagnostics, LLC DBA Color Health
Classification: Benign for Hereditary cancer-predisposing syndrome. Last evaluated: 2016-09-07. Review status: criteria provided, single submitter. Criteria: ACMG Guidelines, 2015. Collection method: clinical testing. Allele origin: germline. Not counted in ClinVar's aggregate classification.

Ambry Genetics
Classification: Benign for Hereditary cancer-predisposing syndrome. Last evaluated: 2014-12-01. Review status: criteria provided, single submitter. Criteria: Ambry Variant Classification Scheme 2023. Collection method: clinical testing. Allele origin: germline. Not counted in ClinVar's aggregate classification.

PreventionGenetics, part of Exact Sciences
Classification: Likely benign for BRCA1-related condition. Last evaluated: 2024-08-26. Review status: no assertion criteria provided. Collection method: clinical testing. Allele origin: germline. Not counted in ClinVar's aggregate classification.
Comment: This variant is classified as likely benign based on ACMG/AMP sequence variant interpretation guidelines (Richards et al. 2015 PMID: 25741868, with internal and published modifications).

Counsyl
Classification: Uncertain significance for Breast-ovarian cancer, familial, susceptibility to, 1. Last evaluated: 2016-04-06. Review status: no assertion criteria provided. Collection method: clinical testing. Allele origin: unknown. Not counted in ClinVar's aggregate classification.

Sharing Clinical Reports Project (SCRP)
Classification: Benign for Breast-ovarian cancer, familial 1. Last evaluated: 2009-07-13. Review status: no assertion criteria provided. Collection method: clinical testing. Allele origin: germline. Not counted in ClinVar's aggregate classification.

Breast Cancer Information Core (BIC) (BRCA1)
Classification: Uncertain significance for Breast-ovarian cancer, familial 1. Last evaluated: 2004-02-20. Review status: no assertion criteria provided. Collection method: clinical testing. Allele origin: germline. Affected: yes. Observed: 2 variant alleles. Not counted in ClinVar's aggregate classification.

Clinical Genetics Laboratory, Department of Pathology, Netherlands Cancer Institute
Classification: Likely benign. Review status: no assertion criteria provided. Collection method: clinical testing. Allele origin: germline. Affected: yes. Study: VKGL Data-share Consensus. Not counted in ClinVar's aggregate classification.

Genome Diagnostics Laboratory, University Medical Center Utrecht
Classification: Benign. Review status: no assertion criteria provided. Collection method: clinical testing. Allele origin: germline. Affected: yes. Study: VKGL Data-share Consensus. Not counted in ClinVar's aggregate classification.

Literature cited by the submitters: PubMed 31131967 (cited by Evidence-based Network for the Interpretation of Germline Mutant Alleles (ENIGMA) and Quest Diagnostics Nichols Institute San Juan Capistrano); PubMed 32546644 (cited by Women's Health and Genetics/Laboratory Corporation of America, LabCorp); PubMed 16267036 (cited by Sema4 and Quest Diagnostics Nichols Institute San Juan Capistrano); PubMed 33471991 (cited by Sema4); PubMed 15385441 (cited by Quest Diagnostics Nichols Institute San Juan Capistrano).